The following is an entry in ClinVar:

NM_015374.3(SUN2):c.2057C>T (p.Thr686Met)

Genes: GTPBP1 (GTP binding protein 1; plus strand), SUN2 (Sad1 and UNC84 domain containing 2; minus strand). Cytogenetic location: 22q13.1.
Variant type: single nucleotide variant.
Coding change: c.2057C>T on transcript NM_015374.3 (MANE Select); coding-DNA position 2057, C replaced by T.
Protein change: p.Thr686Met; replaces threonine 686 with methionine.
Molecular consequence: missense variant.
Genome position (GRCh38, 1-based): chr22:38,736,364, G>A on the plus strand (C>T on the coding strand, the complement: SUN2 is on the minus strand). VCF-style: chr22-38736364-G-A. GRCh37 (hg19) VCF-style: chr22-39132369-G-A.
Other names: c.2120C>T, p.Thr707Met (NM_001199579.2); c.2057C>T, p.Thr686Met (NM_001199580.2); short protein forms T686M, T707M.
Identifiers: ClinVar variation 530829 (VCV000530829.9), dbSNP rs150292176, ClinGen allele CA10235313.

ClinVar aggregate classification (germline): Uncertain significance (1 of 4 stars; one submission).

Conditions:
Emery-Dreifuss muscular dystrophy (EDMD). Also called: Scapuloperoneal syndrome, X-linked (formerly); Humeroperoneal neuromuscular disease, (formerly). Identifiers: Orphanet 261, MedGen C0410189, MONDO:0016830.

Allele frequency attached by ClinVar (database versions not stated): ExAC 0.00027; 1000 Genomes Project 30x 0.00031; ESP Exome Variant Server 0.00031; TOPMed 0.00031; 1000 Genomes Project 0.00040; gnomAD 0.00041.
gnomAD v4.1: 692 of 1,613,656 alleles (0.043%); highest among the groups gnomAD compares: South Asian, 0.097%; 1 homozygote.

Submission:

Labcorp Genetics (formerly Invitae), Labcorp
Classification: Uncertain significance for Emery-Dreifuss muscular dystrophy. Last evaluated: 2025-11-09. Review status: criteria provided, single submitter. Criteria: Invitae Variant Classification Sherloc (09022015). Collection method: clinical testing. Allele origin: germline.
Comment: This sequence change replaces threonine, which is neutral and polar, with methionine, which is neutral and non-polar, at codon 686 of the SUN2 protein (p.Thr686Met). This variant is present in population databases (rs150292176, gnomAD 0.08%), and has an allele count higher than expected for a pathogenic variant. This variant has not been reported in the literature in individuals affected with SUN2-related conditions. ClinVar contains an entry for this variant (Variation ID: 530829). An algorithm developed to predict the effect of missense changes on protein structure and function (PolyPhen-2) suggests that this variant is likely to be disruptive. In summary, the available evidence is currently insufficient to determine the role of this variant in disease. Therefore, it has been classified as a Variant of Uncertain Significance.